The following is an entry in ClinVar:

ClinVar aggregate classification (germline): Benign/Likely benign. Review status: criteria provided, multiple submitters, no conflicts (2 of 4 stars). 3 submissions from 3 submitters: Benign (1); Likely benign (2). Last evaluated 2024-03-28.

Conditions:
Hereditary cancer-predisposing syndrome. Also called: Neoplastic Syndromes, Hereditary; Hereditary Cancer Syndrome; Hereditary neoplastic syndrome; Tumor predisposition. Identifiers: Orphanet 140162, MedGen C0027672, MeSH D009386, MONDO:0015356.
Familial adenomatous polyposis 1 (FAP1). Also called: POLYPOSIS, ADENOMATOUS INTESTINAL; FAMILIAL ADENOMATOUS POLYPOSIS 1, ATTENUATED. Identifiers: MedGen C2713442, MONDO:0021056, OMIM 175100. Disease mechanism: loss of function.

Submissions (3):

Myriad Genetics, Inc.
Classification: Benign for Familial adenomatous polyposis 1. Last evaluated: 2024-03-28. Review status: criteria provided, single submitter. Criteria: Myriad Autosomal Dominant, Autosomal Recessive and X-Linked Classification Criteria (2023). Collection method: clinical testing. Allele origin: unknown.
Comment: This variant is considered benign. This variant is a silent/synonymous amino acid change and it is not expected to impact splicing.

Ambry Genetics
Classification: Likely benign for Hereditary cancer-predisposing syndrome. Last evaluated: 2022-03-23. Review status: criteria provided, single submitter. Criteria: Ambry Variant Classification Scheme 2023. Collection method: clinical testing. Allele origin: germline.

Labcorp Genetics (formerly Invitae), Labcorp
Classification: Likely benign for Familial adenomatous polyposis 1. Last evaluated: 2020-11-30. Review status: criteria provided, single submitter. Criteria: Invitae Variant Classification Sherloc (09022015). Collection method: clinical testing. Allele origin: germline.

NM_000038.6(APC):c.5121T>C (p.Ser1707=)

Gene: APC (APC regulator of Wnt signaling pathway; plus strand). Cytogenetic location: 5q22.2.
Variant type: single nucleotide variant.
Coding change: c.5121T>C on transcript NM_000038.6 (MANE Select); coding-DNA position 5121, T replaced by C.
Protein change: p.Ser1707=; no amino-acid change (serine 1707 retained).
Molecular consequence: synonymous variant.
Genome position (GRCh38, 1-based): chr5:112,840,715, T>C. VCF-style: chr5-112840715-T-C. GRCh37 (hg19) VCF-style: chr5-112176412-T-C.
Other names: c.5121T>C, p.Ser1707= (NM_001127510.3, NM_001354895.2); c.5067T>C, p.Ser1689= (NM_001127511.3); c.5175T>C, p.Ser1725= (NM_001354896.2); c.5151T>C, p.Ser1717= (NM_001354897.2); c.5046T>C, p.Ser1682= (NM_001354898.2); c.5037T>C, p.Ser1679= (NM_001354899.2); c.4998T>C, p.Ser1666= (NM_001354900.2); c.4944T>C, p.Ser1648= (NM_001354901.2); and 5 more.
Identifiers: ClinVar variation 1655480 (VCV001655480.10), dbSNP rs2149932558, ClinGen allele CA446209592.